The following is an entry in ClinVar:

NM_016616.5(NME8):c.1097A>G (p.Glu366Gly)

Gene: NME8 (NME/NM23 family member 8; plus strand). Cytogenetic location: 7p14.1.
Variant type: single nucleotide variant.
Coding change: c.1097A>G on transcript NM_016616.5 (MANE Select); coding-DNA position 1097, A replaced by G.
Protein change: p.Glu366Gly; replaces glutamic acid 366 with glycine.
Molecular consequence: missense variant.
Genome position (GRCh38, 1-based): chr7:37,884,405, A>G. VCF-style: chr7-37884405-A-G. GRCh37 (hg19) VCF-style: chr7-37924007-A-G.
Other names: short protein forms E366G.
Identifiers: ClinVar variation 1390295 (VCV001390295.9), dbSNP rs762153775, ClinGen allele CA4222422.

ClinVar aggregate classification (germline): Uncertain significance. Review status: criteria provided, multiple submitters, no conflicts (2 of 4 stars). 2 submissions from 2 submitters: Uncertain significance (2). Last evaluated 2024-05-27.

Conditions:
Primary ciliary dyskinesia 6. Also called: Primary Ciliary Dyskinesia 6: TXNDC3-Related Primary Ciliary Dyskinesia. Identifiers: Orphanet 244, MedGen C1970506, MONDO:0012571, OMIM 610852.

Allele frequency attached by ClinVar (database versions not stated): TOPMed below 0.00001; gnomAD exomes 0.00002 and 0.00005; ExAC 0.00006.
gnomAD v4.1: 31 of 1,611,336 alleles (0.0019%); highest among the groups gnomAD compares: South Asian, 0.033%; no homozygotes.

Submissions (2):

Blueprint Genetics
Classification: Uncertain significance. Last evaluated: 2024-05-27. Review status: criteria provided, single submitter. Criteria: ACMG Guidelines, 2015. Collection method: clinical testing. Allele origin: germline.

Labcorp Genetics (formerly Invitae), Labcorp
Classification: Uncertain significance for Primary ciliary dyskinesia 6. Last evaluated: 2020-11-13. Review status: criteria provided, single submitter. Criteria: Invitae Variant Classification Sherloc (09022015). Collection method: clinical testing. Allele origin: germline.
Comment: In summary, the available evidence is currently insufficient to determine the role of this variant in disease. Therefore, it has been classified as a Variant of Uncertain Significance. Algorithms developed to predict the effect of missense changes on protein structure and function are either unavailable or do not agree on the potential impact of this missense change (SIFT: "Deleterious"; PolyPhen-2: "Probably Damaging"; Align-GVGD: "Class C0"). This variant has not been reported in the literature in individuals with NME8-related conditions. This variant is present in population databases (rs762153775, ExAC 0.04%). This sequence change replaces glutamic acid with glycine at codon 366 of the NME8 protein (p.Glu366Gly). The glutamic acid residue is moderately conserved and there is a moderate physicochemical difference between glutamic acid and glycine.